The following is an entry in ClinVar:

NM_006379.5(SEMA3C):c.1418T>C (p.Ile473Thr)

Gene: SEMA3C (semaphorin 3C; minus strand). Cytogenetic location: 7q21.11.
Variant type: single nucleotide variant.
Coding change: c.1418T>C on transcript NM_006379.5 (MANE Select); coding-DNA position 1418, T replaced by C.
Protein change: p.Ile473Thr; replaces isoleucine 473 with threonine.
Molecular consequence: missense variant.
Genome position (GRCh38, 1-based): chr7:80,765,180, A>G on the plus strand (T>C on the coding strand, the complement: SEMA3C is on the minus strand). VCF-style: chr7-80765180-A-G. GRCh37 (hg19) VCF-style: chr7-80394496-A-G.
Other names: c.1472T>C, p.Ile491Thr (NM_001350120.2); c.1244T>C, p.Ile415Thr (NM_001350121.2); short protein forms I415T, I473T, I491T.
Identifiers: ClinVar variation 2629322 (VCV002629322.1), dbSNP rs375608472, ClinGen allele CA161060484.

ClinVar aggregate classification (germline): Uncertain significance (1 of 4 stars; one submission).

Conditions:
SEMA3C-related disorder. Also called: SEMA3C-related condition.

Allele frequency attached by ClinVar (database versions not stated): gnomAD 0.00003; TOPMed 0.00003; gnomAD exomes 0.00004; ESP Exome Variant Server 0.00008.
gnomAD v4.1: 67 of 1,613,668 alleles (0.0042%); highest among the groups gnomAD compares: Non-Finnish European, 0.0053%; no homozygotes.

Submission:

PreventionGenetics, part of Exact Sciences
Classification: Uncertain significance for SEMA3C-related condition. Last evaluated: 2023-03-29. Review status: criteria provided, single submitter. Criteria: ACMG Guidelines, 2015. Collection method: clinical testing. Allele origin: germline.
Comment: The SEMA3C c.1472T>C variant is predicted to result in the amino acid substitution p.Ile491Thr. To our knowledge, this variant has not been reported in the literature. This variant is reported in 0.0015% of alleles in individuals of European (Non-Finnish) descent in gnomAD. At this time, the clinical significance of this variant is uncertain due to the absence of conclusive functional and genetic evidence.